The following is an entry in ClinVar:

ClinVar aggregate classification (germline): Likely pathogenic (1 of 4 stars; one submission).

Conditions:
Lysinuric protein intolerance (LPI). Identifiers: Orphanet 470, MedGen C0268647, MONDO:0009109, OMIM 222700.

Submission:

Labcorp Genetics (formerly Invitae), Labcorp
Classification: Likely pathogenic for Lysinuric protein intolerance. Last evaluated: 2023-10-17. Review status: criteria provided, single submitter. Criteria: Invitae Variant Classification Sherloc (09022015). Collection method: clinical testing. Allele origin: germline.
Comment: This sequence change affects a donor splice site in intron 3 of the SLC7A7 gene. It is expected to disrupt RNA splicing. Variants that disrupt the donor or acceptor splice site typically lead to a loss of protein function (PMID: 16199547), and loss-of-function variants in SLC7A7 are known to be pathogenic (PMID: 10631139, 17764084). This variant is not present in population databases (gnomAD no frequency). This variant has not been reported in the literature in individuals affected with SLC7A7-related conditions. Algorithms developed to predict the effect of sequence changes on RNA splicing suggest that this variant may disrupt the consensus splice site. In summary, the currently available evidence indicates that the variant is pathogenic, but additional data are needed to prove that conclusively. Therefore, this variant has been classified as Likely Pathogenic.

Literature cited by the submitters: PubMed 16199547; PubMed 10631139; PubMed 17764084.

NM_003982.4(SLC7A7):c.499+2T>G

Gene: SLC7A7 (solute carrier family 7 member 7; minus strand). Cytogenetic location: 14q11.2.
Variant type: single nucleotide variant.
Coding change: c.499+2T>G on transcript NM_003982.4 (MANE Select); the canonical splice donor site of the intron after coding-DNA position 499, T replaced by G.
Molecular consequence: splice donor variant.
Genome position (GRCh38, 1-based): chr14:22,812,898, A>C on the plus strand (T>G on the coding strand, the complement: SLC7A7 is on the minus strand). VCF-style: chr14-22812898-A-C. GRCh37 (hg19) VCF-style: chr14-23282107-A-C.
Other names: c.499+2T>G (NM_001126106.4, NM_001126105.3).
Identifiers: ClinVar variation 2769331 (VCV002769331.3), dbSNP rs1271213967, ClinGen allele CA388921881.
Genomic context (GRCh38, chr14:22,812,898, plus strand): 5'-CACTCACATCCCAGCCTCTGTCCAGCCCTCCACCCACCACCTCCTACCCCAGCCCCACTT[A>C]CAAATGCAGGCAGCAGCCAGCAGGCGGCTGGCAGCATAAGGGGCGAAGCAGCTCGGGAAG-3'